The following is an entry in ClinVar:

NM_004304.5(ALK):c.545A>G (p.Glu182Gly)

Gene: ALK (ALK receptor tyrosine kinase; minus strand). Cytogenetic location: 2p23.1.
Variant type: single nucleotide variant.
Coding change: c.545A>G on transcript NM_004304.5 (MANE Select); coding-DNA position 545, A replaced by G.
Protein change: p.Glu182Gly; replaces glutamic acid 182 with glycine.
Molecular consequence: missense variant.
Genome position (GRCh38, 1-based): chr2:29,920,115, T>C on the plus strand (A>G on the coding strand, the complement: ALK is on the minus strand). VCF-style: chr2-29920115-T-C. GRCh37 (hg19) VCF-style: chr2-30142981-T-C.
Other names: c.545A>G (NM_004304.4); short protein forms E182G.
Identifiers: ClinVar variation 2818207 (VCV002818207.4), dbSNP rs2465865334, ClinGen allele CA346589825.

ClinVar aggregate classification (germline): Uncertain significance. Review status: criteria provided, multiple submitters, no conflicts (2 of 4 stars). 2 submissions from 2 submitters: Uncertain significance (2). Last evaluated 2026-04-23.

Conditions:
Hereditary cancer-predisposing syndrome. Also called: Tumor predisposition; Hereditary neoplastic syndrome; Neoplastic Syndromes, Hereditary; Hereditary Cancer Syndrome. Identifiers: Orphanet 140162, MedGen C0027672, MeSH D009386, MONDO:0015356.
Neuroblastoma, susceptibility to, 3. Also called: ALK-Related Neuroblastic Tumor Susceptibility. Identifiers: Orphanet 635, MedGen C2751681, MONDO:0013083, OMIM 613014.

Submissions (2):

Ambry Genetics
Classification: Uncertain significance for Hereditary cancer-predisposing syndrome. Last evaluated: 2026-04-23. Review status: criteria provided, single submitter. Criteria: Ambry Variant Classification Scheme 2023. Collection method: clinical testing. Allele origin: germline.
Comment: The p.E182G variant (also known as c.545A>G), located in coding exon 1 of the ALK gene, results from an A to G substitution at nucleotide position 545. The glutamic acid at codon 182 is replaced by glycine, an amino acid with similar properties. This amino acid position is conserved. In addition, the in silico prediction for this alteration is inconclusive. Based on the available evidence, the clinical significance of this variant remains unclear.

Labcorp Genetics (formerly Invitae), Labcorp
Classification: Uncertain significance for Neuroblastoma, susceptibility to, 3. Last evaluated: 2022-12-03. Review status: criteria provided, single submitter. Criteria: Invitae Variant Classification Sherloc (09022015). Collection method: clinical testing. Allele origin: germline.
Comment: In summary, the available evidence is currently insufficient to determine the role of this variant in disease. Therefore, it has been classified as a Variant of Uncertain Significance. Algorithms developed to predict the effect of missense changes on protein structure and function are either unavailable or do not agree on the potential impact of this missense change (SIFT: "Deleterious"; PolyPhen-2: "Probably Damaging"; Align-GVGD: "Class C0"). This variant has not been reported in the literature in individuals affected with ALK-related conditions. This variant is not present in population databases (gnomAD no frequency). This sequence change replaces glutamic acid, which is acidic and polar, with glycine, which is neutral and non-polar, at codon 182 of the ALK protein (p.Glu182Gly).